The following is an entry in ClinVar:

ClinVar aggregate classification (germline): Uncertain significance (1 of 4 stars; one submission).

Allele frequency attached by ClinVar (database versions not stated): ExAC 0.00002; gnomAD 0.00003; TOPMed 0.00005.
gnomAD v4.1: 16 of 1,613,514 alleles (0.00099%); highest among the groups gnomAD compares: East Asian, 0.031%; no homozygotes.

Submission:

Labcorp Genetics (formerly Invitae), Labcorp
Classification: Uncertain significance. Last evaluated: 2022-08-13. Review status: criteria provided, single submitter. Criteria: Invitae Variant Classification Sherloc (09022015). Collection method: clinical testing. Allele origin: germline.
Comment: In summary, the available evidence is currently insufficient to determine the role of this variant in disease. Therefore, it has been classified as a Variant of Uncertain Significance. Algorithms developed to predict the effect of missense changes on protein structure and function output the following: SIFT: "Tolerated"; PolyPhen-2: "Benign"; Align-GVGD: "Class C0". The valine amino acid residue is found in multiple mammalian species, which suggests that this missense change does not adversely affect protein function. This variant has not been reported in the literature in individuals affected with RTTN-related conditions. This variant is present in population databases (rs751096280, gnomAD 0.1%). This sequence change replaces alanine, which is neutral and non-polar, with valine, which is neutral and non-polar, at codon 2210 of the RTTN protein (p.Ala2210Val).

NM_173630.4(RTTN):c.6629C>T (p.Ala2210Val)

Gene: RTTN (rotatin; minus strand). Cytogenetic location: 18q22.2.
Variant type: single nucleotide variant.
Coding change: c.6629C>T on transcript NM_173630.4 (MANE Select); coding-DNA position 6629, C replaced by T.
Protein change: p.Ala2210Val; replaces alanine 2210 with valine.
Molecular consequence: missense variant.
Genome position (GRCh38, 1-based): chr18:70,004,203, G>A on the plus strand (C>T on the coding strand, the complement: RTTN is on the minus strand). VCF-style: chr18-70004203-G-A. GRCh37 (hg19) VCF-style: chr18-67671439-G-A.
Other names: c.3893C>T, p.Ala1298Val (NM_001318520.2); short protein forms A2210V, A1298V.
Identifiers: ClinVar variation 1986650 (VCV001986650.2), dbSNP rs751096280, ClinGen allele CA8994596.